The following is an entry in ClinVar:

NM_006231.4(POLE):c.1359+18C>T

Gene: POLE (DNA polymerase epsilon, catalytic subunit; minus strand). Cytogenetic location: 12q24.33.
Variant type: single nucleotide variant.
Coding change: c.1359+18C>T on transcript NM_006231.4 (MANE Select); 18 bases into the intron after coding-DNA position 1359, C replaced by T.
Molecular consequence: intron variant.
Genome position (GRCh38, 1-based): chr12:132,673,557, G>A on the plus strand (C>T on the coding strand, the complement: POLE is on the minus strand). VCF-style: chr12-132673557-G-A. GRCh37 (hg19) VCF-style: chr12-133250143-G-A.
Identifiers: ClinVar variation 371906 (VCV000371906.19), dbSNP rs5744775, ClinGen allele CA6893993.

ClinVar aggregate classification (germline): Benign/Likely benign. Review status: criteria provided, multiple submitters, no conflicts (2 of 4 stars). 9 submissions from 9 submitters: Benign (3); Likely benign (5). 1 of the submissions does not count toward it. Last evaluated 2026-02-04.

Conditions:
Intrauterine growth retardation, metaphyseal dysplasia, adrenal hypoplasia congenita, genital anomalies, and immunodeficiency. Also called: IMAGEI SYNDROME. Identifiers: MedGen C5193036, MONDO:0032684, OMIM 618336.
Colorectal cancer, susceptibility to, 12 (CRCS12). Also called: COLORECTAL CANCER, SUSCEPTIBILITY TO, ON CHROMOSOME 12q24. Identifiers: Orphanet 220460, MedGen C3554460, MONDO:0014038, OMIM 615083.
Facial dysmorphism-immunodeficiency-livedo-short stature syndrome. Also called: Facial dysmorphism, immunodeficiency, livedo, and short stature; FILS syndrome. Identifiers: Orphanet 352712, MedGen C3554576, MONDO:0014058, OMIM 615139.

Allele frequency attached by ClinVar (database versions not stated): gnomAD exomes 0.00042 and 0.00115; ExAC 0.00141; 1000 Genomes Project 30x 0.00234; 1000 Genomes Project 0.00260; gnomAD 0.00407 and 0.00455; TOPMed 0.00494; ESP Exome Variant Server 0.00554.
gnomAD v4.1: 1,273 of 1,599,988 alleles (0.08%); highest among the groups gnomAD compares: African/African-American, 1.4%; 3 homozygotes.

Submissions (9):

Labcorp Genetics (formerly Invitae), Labcorp
Classification: Benign. Last evaluated: 2026-02-04. Review status: criteria provided, single submitter. Criteria: Invitae Variant Classification Sherloc (09022015). Collection method: clinical testing. Allele origin: germline.

Center for Genomic Medicine, Rigshospitalet, Copenhagen University Hospital
Classification: Likely benign. Last evaluated: 2025-03-04. Review status: criteria provided, single submitter. Criteria: ACMG Guidelines, 2015. Collection method: clinical testing. Allele origin: germline.

Blueprint Genetics
Classification: Likely benign. Last evaluated: 2024-11-14. Review status: criteria provided, single submitter. Criteria: ACMG Guidelines, 2015. Collection method: clinical testing. Allele origin: germline.

KCCC/NGS Laboratory, Kuwait Cancer Control Center
Classification: Likely benign for Colorectal cancer, susceptibility to, 12. Last evaluated: 2023-07-07. Review status: criteria provided, single submitter. Criteria: ACMG Guidelines, 2015. Collection method: clinical testing. Allele origin: germline. Affected: yes.

Fulgent Genetics
Classification: Likely benign for Colorectal cancer, susceptibility to, 12; Facial dysmorphism-immunodeficiency-livedo-short stature syndrome; Intrauterine growth retardation, metaphyseal dysplasia, adrenal hypoplasia congenita, genital anomalies, and immunodeficiency. Last evaluated: 2022-05-25. Review status: criteria provided, single submitter. Criteria: ACMG Guidelines, 2015. Collection method: clinical testing. Allele origin: unknown.

ARUP Laboratories, Molecular Genetics and Genomics, ARUP Laboratories
Classification: Benign. Last evaluated: 2022-03-31. Review status: criteria provided, single submitter. Criteria: ARUP Molecular Germline Variant Investigation Process 2021. Collection method: clinical testing. Allele origin: germline.

GeneDx
Classification: Likely benign. Last evaluated: 2017-06-23. Review status: criteria provided, single submitter. Criteria: GeneDx Variant Classification (06012015). Collection method: clinical testing. Allele origin: germline. Affected: yes.
Comment: This variant is considered likely benign or benign based on one or more of the following criteria: it is a conservative change, it occurs at a poorly conserved position in the protein, it is predicted to be benign by multiple in silico algorithms, and/or has population frequency not consistent with disease.

PreventionGenetics, part of Exact Sciences
Classification: Benign. Last evaluated: 2016-11-09. Review status: criteria provided, single submitter. Criteria: ACMG Guidelines, 2015. Collection method: clinical testing. Allele origin: germline.

Counsyl
Classification: Likely benign for Colorectal cancer, susceptibility to, 12. Last evaluated: 2016-08-01. Review status: no assertion criteria provided. Collection method: clinical testing. Allele origin: unknown. Not counted in ClinVar's aggregate classification.